The following is an entry in ClinVar:

ClinVar aggregate classification (germline): Likely pathogenic (1 of 4 stars; one submission).

Conditions:
Intellectual developmental disorder with autism and speech delay. Also called: Autism 5; AUTISM-RELATED SPEECH DELAY; PHRASE SPEECH DELAY, AUTISM-RELATED; AUTS5; Autism, susceptibility to, 5. Identifiers: MedGen C1853755, MONDO:0011627, OMIM 606053.

Submission:

Molecular Genetics Laboratory, Motol Hospital
Classification: Likely pathogenic for Intellectual developmental disorder with autism and speech delay. Last evaluated: 2024-11-27. Review status: criteria provided, single submitter. Criteria: ACMG Guidelines, 2015. Collection method: clinical testing. Allele origin: de novo. Affected: yes. Observed: 1 variant allele.
Comment: The variant was confirmed to be of a de novo origin. Rare missense and truncating variants affecting the TBR1 gene are documented as a molecular cause of autosomal dominant "intellectual developmental disorder with autism and speech delay" (OMIM:606053) (PMID:30268909;30250039;25232744). To conclude, the variant is classified as likely pathogenic (ACMG PVS1, PM2, PS2).

Literature cited by the submitters: PubMed 30268909; PubMed 30250039; PubMed 25232744.

NM_006593.4(TBR1):c.1271del (p.Arg424fs)

Gene: TBR1 (T-box brain transcription factor 1; plus strand). Cytogenetic location: 2q24.2.
Variant type: Deletion.
Coding change: c.1271del on transcript NM_006593.4 (MANE Select); coding-DNA position 1271, one base deleted (G; older notation c.1271delG).
Protein change: p.Arg424fs; shifts the reading frame from arginine 424.
Molecular consequence: frameshift variant.
Genome position (GRCh38, 1-based): chr2:161,423,449, G deleted. VCF-style (leftmost placement, unchanged base first): chr2-161423448-CG-C. GRCh37 (hg19) VCF-style: chr2-162279959-CG-C.
Other names: short protein forms R424fs.
Identifiers: ClinVar variation 3381749 (VCV003381749.2).
Genomic context (GRCh38, chr2:161,423,448, plus strand): 5'-ATGGACCGCCTGACCCCCTCGCCCAACGACTCGCCGCGCTCGCAGATCGTGCCCGGGGCC[CG>C]CTACGCCATGGCCGGCTCTTTCCTGCAGGACCAGTTCGTGAGCAACTACGCCAAGGCCCG-3'